The following is an entry in ClinVar:

ClinVar aggregate classification (germline): Uncertain significance. Review status: criteria provided, multiple submitters, no conflicts (2 of 4 stars). 2 submissions from 2 submitters: Uncertain significance (2). Last evaluated 2025-09-01.

Conditions:
Inborn genetic diseases. Identifiers: MedGen C0950123, MeSH D030342.
Congenital myasthenic syndrome 8. Also called: MYASTHENIC SYNDROME, CONGENITAL, DUE TO AGRIN DEFICIENCY; Myasthenic syndrome, congenital, 8, with pre- and postsynaptic defects. Identifiers: Orphanet 590, MedGen C3808739, MONDO:0014052, OMIM 615120.

Allele frequency attached by ClinVar (database versions not stated): ExAC 0.00001; gnomAD 0.00003 and 0.00004; ESP Exome Variant Server 0.00008; 1000 Genomes Project 0.00040; 1000 Genomes Project 30x 0.00062.
gnomAD v4.1: 18 of 1,611,528 alleles (0.0011%); highest among the groups gnomAD compares: African/African-American, 0.02%; no homozygotes.

Submissions (2):

Ambry Genetics
Classification: Uncertain significance for Inborn genetic diseases. Last evaluated: 2025-09-01. Review status: criteria provided, single submitter. Criteria: Ambry Variant Classification Scheme 2023. Collection method: clinical testing. Allele origin: germline.

Labcorp Genetics (formerly Invitae), Labcorp
Classification: Uncertain significance for Congenital myasthenic syndrome 8. Last evaluated: 2022-02-13. Review status: criteria provided, single submitter. Criteria: Invitae Variant Classification Sherloc (09022015). Collection method: clinical testing. Allele origin: germline.
Comment: This sequence change replaces arginine, which is basic and polar, with histidine, which is basic and polar, at codon 409 of the AGRN protein (p.Arg409His). The frequency data for this variant in the population databases is considered unreliable, as metrics indicate poor data quality at this position in the gnomAD database. This variant has not been reported in the literature in individuals affected with AGRN-related conditions. Algorithms developed to predict the effect of missense changes on protein structure and function are either unavailable or do not agree on the potential impact of this missense change (SIFT: "Deleterious"; PolyPhen-2: "Possibly Damaging"; Align-GVGD: "Class C0"). In summary, the available evidence is currently insufficient to determine the role of this variant in disease. Therefore, it has been classified as a Variant of Uncertain Significance.

NM_198576.4(AGRN):c.1226G>A (p.Arg409His)

Gene: AGRN (agrin; plus strand). Cytogenetic location: 1p36.33.
Variant type: single nucleotide variant.
Coding change: c.1226G>A on transcript NM_198576.4 (MANE Select); coding-DNA position 1226, G replaced by A.
Protein change: p.Arg409His; replaces arginine 409 with histidine.
Molecular consequence: missense variant.
Genome position (GRCh38, 1-based): chr1:1,042,004, G>A. VCF-style: chr1-1042004-G-A. GRCh37 (hg19) VCF-style: chr1-977384-G-A.
Other names: c.1226G>A, p.Arg409His (NM_001305275.2); c.911G>A, p.Arg304His (NM_001364727.2); c.1226G>A (NM_198576.3); short protein forms R304H, R409H.
Identifiers: ClinVar variation 1504005 (VCV001504005.6), dbSNP rs143161987, ClinGen allele CA508080.
Genomic context (GRCh38, chr1:1,042,004, plus strand): 5'-CCTGCGTCCTAGACCAGTGCCCGGAGCCCTGCCGGTTCAATGCCGTGTGCCTGTCCCGCC[G>A]TGGCCGTCCCCGCTGCTCCTGCGACCGCGTCACCTGTGACGGGGCCTACAGGCCCGTGTG-3'
Protein context (NP_940978.2, residues 399-419): CRFNAVCLSR[Arg409His]GRPRCSCDRV